The following is an entry in ClinVar:

NM_000093.5(COL5A1):c.1828-3C>G

Gene: COL5A1 (collagen type V alpha 1 chain; plus strand). Cytogenetic location: 9q34.3.
Variant type: single nucleotide variant.
Coding change: c.1828-3C>G on transcript NM_000093.5 (MANE Select); 3 bases into the intron before coding-DNA position 1828, C replaced by G.
Molecular consequence: intron variant.
Genome position (GRCh38, 1-based): chr9:134,756,762, C>G. VCF-style: chr9-134756762-C-G. GRCh37 (hg19) VCF-style: chr9-137648608-C-G.
Other names: c.1828-3C>G (NM_001278074.1).
Identifiers: ClinVar variation 862523 (VCV000862523.10), dbSNP rs369608154, ClinGen allele CA5319004.
Genomic context (GRCh38, chr9:134,756,762, plus strand): 5'-GGCCCGGGGGTCTCAGTGAACCGGGGCTCTTTTGCATTGACGGTTTTGCCTCCTTTGTTC[C>G]AGGGTCGGGCTGGGAGTGATGGAGCCAGAGGAATGCCTGGACAAACTGGCCCCAAGGTAG-3'

ClinVar aggregate classification (germline): Uncertain significance. Review status: criteria provided, multiple submitters, no conflicts (2 of 4 stars). 2 submissions from 2 submitters: Uncertain significance (2). Last evaluated 2021-10-01.

Conditions:
Familial thoracic aortic aneurysm and aortic dissection (TAAD). Also called: Thoracic aortic aneurysms and dissections. Identifiers: Orphanet 91387, MedGen C4707243, MONDO:0019625.
Ehlers-Danlos syndrome, classic type, 1 (EDSCL1). Also called: Ehlers-Danlos syndrome, type 1; Ehlers-Danlos Syndrome, Classic Type, COL5A1-Related; EDS I; EHLERS-DANLOS SYNDROME, GRAVIS TYPE; EHLERS-DANLOS SYNDROME, SEVERE CLASSIC TYPE. Identifiers: MedGen C0268335, MONDO:0019567, OMIM 130000.

Allele frequency attached by ClinVar (database versions not stated): ExAC 0.00001; gnomAD 0.00001; ESP Exome Variant Server 0.00008; gnomAD exomes below 0.00001; TOPMed 0.00002.
gnomAD v4.1: 4 of 1,613,884 alleles (0.00025%); highest among the groups gnomAD compares: African/African-American, 0.0013%; no homozygotes.

Submissions (2):

Ambry Genetics
Classification: Uncertain significance for Familial thoracic aortic aneurysm and aortic dissection. Last evaluated: 2021-10-01. Review status: criteria provided, single submitter. Criteria: Ambry Variant Classification Scheme 2023. Collection method: clinical testing. Allele origin: germline.
Comment: The c.1828-3C>G intronic alteration consists of a C to G substitution 3 nucleotides before coding exon 17 in the COL5A1 gene. Based on insufficient or conflicting evidence, the clinical significance of this alteration remains unclear.

Labcorp Genetics (formerly Invitae), Labcorp
Classification: Uncertain significance for Ehlers-Danlos syndrome, classic type, 1. Last evaluated: 2021-08-27. Review status: criteria provided, single submitter. Criteria: Invitae Variant Classification Sherloc (09022015). Collection method: clinical testing. Allele origin: germline.
Comment: This sequence change falls in intron 16 of the COL5A1 gene. It does not directly change the encoded amino acid sequence of the COL5A1 protein. It affects a nucleotide within the consensus splice site of the intron. This variant is present in population databases (rs369608154, ExAC 0.002%). This variant has not been reported in the literature in individuals affected with COL5A1-related conditions. Variants that disrupt the consensus splice site are a relatively common cause of aberrant splicing (PMID: 17576681, 9536098). Algorithms developed to predict the effect of sequence changes on RNA splicing suggest that this variant may disrupt the consensus splice site. In summary, the available evidence is currently insufficient to determine the role of this variant in disease. Therefore, it has been classified as a Variant of Uncertain Significance.

Literature cited by the submitters: PubMed 17576681 (cited by Labcorp Genetics (formerly Invitae), Labcorp); PubMed 9536098 (cited by Labcorp Genetics (formerly Invitae), Labcorp).